The following is an entry in ClinVar:

ClinVar aggregate classification (germline): Conflicting classifications of pathogenicity. Review status: criteria provided, conflicting classifications (1 of 4 stars). 15 submissions from 11 submitters: Uncertain significance (2); Benign (9); Likely benign (1). 3 of the submissions do not count toward it. Last evaluated 2026-02-04.

Conditions:
Diabetes mellitus, permanent neonatal 3. Also called: ABCC8-Related Permanent Neonatal Diabetes Mellitus. Identifiers: MedGen C5394303, MONDO:0030088, OMIM 618857.
Transitory neonatal diabetes mellitus. Also called: Transient neonatal diabetes mellitus. Identifiers: MedGen C0342273, MONDO:0020525, HP:0008255.
Maturity-onset diabetes of the young (MODY). Also called: Maturity onset diabetes mellitus in young. Identifiers: Orphanet 552, MedGen C0342276, MONDO:0018911, HP:0004904.
Diabetes mellitus, transient neonatal, 2 (TNDM2). Identifiers: Orphanet 99886, MedGen C1835887, MONDO:0012480, OMIM 610374. Disease mechanism: loss of function.
Leucine-induced hypoglycemia (LIH). Also called: LEUCINE-SENSITIVE HYPOGLYCEMIA OF INFANCY. Identifiers: MedGen C0271714, MONDO:0009415, OMIM 240800.
Hyperinsulinemic hypoglycemia, familial, 1 (HHF1). Also called: Persistent hyperinsulinemic hypoglycemia of infancy; NESIDIOBLASTOSIS OF PANCREAS; Persistent Hyperinsulinemia Hypoglycemia of Infancy; HYPERINSULINISM, FAMILIAL, WITH PANCREATIC NESIDIOBLASTOSIS; HYPOGLYCEMIA, HYPERINSULINEMIC, OF INFANCY. Identifiers: Orphanet 276575, Orphanet 276598, MedGen C2931832, MONDO:0009734, OMIM 256450.

Allele frequency attached by ClinVar (database versions not stated): ESP Exome Variant Server 0.60881; ExAC 0.61247; 1000 Genomes Project 0.61462; 1000 Genomes Project 30x 0.61493; gnomAD exomes 0.61618; gnomAD 0.61647 and 0.62022; TOPMed 0.63353.
gnomAD v4.1: 985,251 of 1,609,408 alleles (61%); highest among the groups gnomAD compares: East Asian, 72%; 304,157 homozygotes.

Submissions (15):

Labcorp Genetics (formerly Invitae), Labcorp
Classification: Benign. Last evaluated: 2026-02-04. Review status: criteria provided, single submitter. Criteria: Invitae Variant Classification Sherloc (09022015). Collection method: clinical testing. Allele origin: germline.

Blueprint Genetics
Classification: Likely benign. Last evaluated: 2024-11-27. Review status: criteria provided, single submitter. Criteria: ACMG Guidelines, 2015. Collection method: clinical testing. Allele origin: germline.

Pars Genome Lab
Classification: Benign for Leucine-induced hypoglycemia. Last evaluated: 2021-07-01. Review status: criteria provided, single submitter. Criteria: ACMG Guidelines, 2015. Collection method: clinical testing. Allele origin: germline. Affected: no.

Pars Genome Lab
Classification: Benign for Hyperinsulinemic hypoglycemia, familial, 1. Last evaluated: 2021-07-01. Review status: criteria provided, single submitter. Criteria: ACMG Guidelines, 2015. Collection method: clinical testing. Allele origin: germline. Affected: no.

Pars Genome Lab
Classification: Benign for Diabetes mellitus, transient neonatal, 2. Last evaluated: 2021-07-01. Review status: criteria provided, single submitter. Criteria: ACMG Guidelines, 2015. Collection method: clinical testing. Allele origin: germline. Affected: no.

Pars Genome Lab
Classification: Benign for Diabetes mellitus, permanent neonatal 3. Last evaluated: 2021-07-01. Review status: criteria provided, single submitter. Criteria: ACMG Guidelines, 2015. Collection method: clinical testing. Allele origin: germline. Affected: no.

Mayo Clinic Laboratories, Mayo Clinic
Classification: Benign. Last evaluated: 2021-04-07. Review status: criteria provided, single submitter. Criteria: ACMG Guidelines, 2015. Collection method: clinical testing. Allele origin: germline. Observed: 1 variant allele.

GeneDx
Classification: Benign. Last evaluated: 2018-08-09. Review status: criteria provided, single submitter. Criteria: GeneDx Variant Classification Process June 2021. Collection method: clinical testing. Allele origin: germline. Affected: yes.

Athena Diagnostics
Classification: Benign. Last evaluated: 2017-04-12. Review status: criteria provided, single submitter. Criteria: Athena Diagnostics Criteria. Collection method: clinical testing. Allele origin: germline.

Clinical Genomics, Uppaluri K&H Personalized Medicine Clinic
Classification: Uncertain significance for Transitory neonatal diabetes mellitus. Review status: criteria provided, single submitter. Criteria: K & H Uppaluri Personalized Medicine Clinic Variant Classification & Assertion Criteria_Updated V.1. Collection method: research. Allele origin: unknown.
Comment: Mutations in ABCC8 gene are associated with both neonatal diabetes mellitus as well as MODY. Patients with this mutation may have a better response to sulfonylureas. However, no sufficient evidence is found to ascertain the role of this particular variant ( rs2106865) in neonatal diabetes yet.

Clinical Genomics, Uppaluri K&H Personalized Medicine Clinic
Classification: Uncertain significance for Maturity-onset diabetes of the young. Review status: criteria provided, single submitter. Criteria: K & H Uppaluri Personalized Medicine Clinic Variant Classification & Assertion Criteria_Updated V.1. Collection method: research. Allele origin: unknown. Inheritance: Somatic mutation.
Comment: Mutations in ABCC8 gene are associated with both neonatal diabetes mellitus as well as MODY. Patients with this mutation may have a better response to sulfonylureas. However, no sufficient evidence is found to ascertain the role of this particular variant ( rs2106865) in MODY yet.

PreventionGenetics, part of Exact Sciences
Classification: Benign. Review status: criteria provided, single submitter. Criteria: ACMG Guidelines, 2015. Collection method: clinical testing. Allele origin: germline.

Diagnostic Laboratory, Department of Genetics, University Medical Center Groningen
Classification: Benign. Review status: no assertion criteria provided. Collection method: clinical testing. Allele origin: germline. Affected: yes. Study: VKGL Data-share Consensus. Not counted in ClinVar's aggregate classification.

Genetic Services Laboratory, University of Chicago
Classification: Likely benign. Review status: no assertion criteria provided. Collection method: clinical testing. Allele origin: germline. Inheritance: Autosomal unknown. Not counted in ClinVar's aggregate classification.
Comment: Likely benign based on allele frequency in 1000 Genomes Project or ESP global frequency and its presence in a patient with a rare or unrelated disease phenotype. NOT Sanger confirmed

Joint Genome Diagnostic Labs from Nijmegen and Maastricht, Radboudumc and MUMC+
Classification: Benign. Review status: no assertion criteria provided. Collection method: clinical testing. Allele origin: germline. Affected: yes. Study: VKGL Data-share Consensus. Not counted in ClinVar's aggregate classification.

Literature cited by the submitters: PubMed 16885549 (cited by Clinical Genomics, Uppaluri K&H Personalized Medicine Clinic); PubMed 21989597 (cited by Clinical Genomics, Uppaluri K&H Personalized Medicine Clinic); PubMed 27538677 (cited by Clinical Genomics, Uppaluri K&H Personalized Medicine Clinic); PubMed 18981553 (cited by Clinical Genomics, Uppaluri K&H Personalized Medicine Clinic); PubMed 32027066 (cited by Clinical Genomics, Uppaluri K&H Personalized Medicine Clinic); PubMed 16613899 (cited by Clinical Genomics, Uppaluri K&H Personalized Medicine Clinic); PubMed 18025408 (cited by Clinical Genomics, Uppaluri K&H Personalized Medicine Clinic); PubMed 32792356 (cited by Clinical Genomics, Uppaluri K&H Personalized Medicine Clinic).

NM_000352.6(ABCC8):c.2820+17A>G

Gene: ABCC8 (ATP binding cassette subfamily C member 8; minus strand). Cytogenetic location: 11p15.1.
Variant type: single nucleotide variant.
Coding change: c.2820+17A>G on transcript NM_000352.6 (MANE Select); 17 bases into the intron after coding-DNA position 2820, A replaced by G.
Molecular consequence: intron variant.
Genome position (GRCh38, 1-based): chr11:17,408,375, T>C on the plus strand (A>G on the coding strand, the complement: ABCC8 is on the minus strand). VCF-style: chr11-17408375-T-C. GRCh37 (hg19) VCF-style: chr11-17429922-T-C.
Other names: p.?; c.2817+17A>G (NM_001351297.2); c.2820+17A>G (NM_001351296.2, NM_000352.5); c.2886+17A>G (NM_001351295.2); c.2823+17A>G (NM_001287174.3).
Identifiers: ClinVar variation 157694 (VCV000157694.28), dbSNP rs2106865, ClinGen allele CA171066.